The following is an entry in ClinVar:

NM_001378964.1(CDON):c.2336_2337del (p.Ser779fs)

Gene: CDON (cell adhesion associated, oncogene regulated; minus strand). Cytogenetic location: 11q24.2.
Variant type: Deletion.
Coding change: c.2336_2337del on transcript NM_001378964.1 (MANE Select); coding-DNA positions 2336 to 2337, 2 bases deleted (CA; older notation c.2336_2337delCA).
Protein change: p.Ser779fs; shifts the reading frame from serine 779.
Molecular consequence: frameshift variant.
Genome position (GRCh38, 1-based): chr11:125,997,232-125,997,233, TG deleted on the plus strand (CA on the coding strand, the reverse complement: CDON is on the minus strand). VCF-style (leftmost placement, unchanged base first): chr11-125997231-CTG-C. GRCh37 (hg19) VCF-style: chr11-125867126-CTG-C.
Other names: c.2336_2337delCA, p.Ser779Cysfs (NM_001243597.3, NM_016952.4, NM_016952.6); short protein forms S779fs.
Identifiers: ClinVar variation 1312889 (VCV001312889.2), dbSNP rs2134543186, ClinGen allele CA2573053452.
Genomic context (GRCh38, chr11:125,997,231, plus strand): 5'-CATCGATGGTAAAAGGAAACGTTTGAATATTACTACCTGGTTCTAAACTACGAACTTCCA[CTG>C]AAAGTTTGGAAGGAGGGATGTCTTCAGCTGCCACCAGCCAATTGCTGGTCCTCATCCGTT-3'

ClinVar aggregate classification (germline): Uncertain significance (1 of 4 stars; one submission).

Submission:

GeneDx
Classification: Uncertain significance. Last evaluated: 2020-07-07. Review status: criteria provided, single submitter. Criteria: GeneDx Variant Classification Process June 2021. Collection method: clinical testing. Allele origin: germline. Affected: yes.
Comment: Not observed in large population cohorts (Lek et al., 2016); Frameshift variant predicted to result in protein truncation or nonsense mediated decay in a gene for which loss-of-function is not a known mechanism of disease; Has not been previously published as pathogenic or benign to our knowledge